The following is an entry in ClinVar:

ClinVar aggregate classification (germline): Uncertain significance (1 of 4 stars; one submission).

Allele frequency attached by ClinVar (database versions not stated): gnomAD exomes below 0.00001; TOPMed 0.00001.

Submission:

Labcorp Genetics (formerly Invitae), Labcorp
Classification: Uncertain significance. Last evaluated: 2022-07-07. Review status: criteria provided, single submitter. Criteria: Invitae Variant Classification Sherloc (09022015). Collection method: clinical testing. Allele origin: germline.
Comment: Algorithms developed to predict the effect of missense changes on protein structure and function (SIFT, PolyPhen-2, Align-GVGD) all suggest that this variant is likely to be tolerated. Algorithms developed to predict the effect of sequence changes on RNA splicing suggest that this variant may create or strengthen a splice site. In summary, the available evidence is currently insufficient to determine the role of this variant in disease. Therefore, it has been classified as a Variant of Uncertain Significance. This variant has not been reported in the literature in individuals affected with FBLN5-related conditions. This sequence change replaces methionine, which is neutral and non-polar, with isoleucine, which is neutral and non-polar, at codon 119 of the FBLN5 protein (p.Met119Ile). This variant is present in population databases (no rsID available, gnomAD 0.003%).

NM_006329.4(FBLN5):c.357G>A (p.Met119Ile)

Gene: FBLN5 (fibulin 5; minus strand). Cytogenetic location: 14q32.12.
Variant type: single nucleotide variant.
Coding change: c.357G>A on transcript NM_006329.4 (MANE Select); coding-DNA position 357, G replaced by A.
Protein change: p.Met119Ile; replaces methionine 119 with isoleucine.
Molecular consequence: missense variant.
Genome position (GRCh38, 1-based): chr14:91,936,969, C>T on the plus strand (G>A on the coding strand, the complement: FBLN5 is on the minus strand). VCF-style: chr14-91936969-C-T. GRCh37 (hg19) VCF-style: chr14-92403313-C-T.
Other names: c.480G>A, p.Met160Ile (NM_001384158.1); c.408G>A, p.Met136Ile (NM_001384159.1); c.357G>A, p.Met119Ile (NM_001384160.1); c.189G>A, p.Met63Ile (NM_001384161.1, NM_001384162.1); short protein forms M136I, M119I, M160I, M63I.
Identifiers: ClinVar variation 1955415 (VCV001955415.5), dbSNP rs1025173288, ClinGen allele CA265607531.